The following is an entry in ClinVar:

NM_001110219.3(GJB6):c.593C>A (p.Ala198Glu)

Gene: GJB6 (gap junction protein beta 6; minus strand). Cytogenetic location: 13q12.11.
Variant type: single nucleotide variant.
Coding change: c.593C>A on transcript NM_001110219.3 (MANE Select); coding-DNA position 593, C replaced by A.
Protein change: p.Ala198Glu; replaces alanine 198 with glutamic acid.
Molecular consequence: missense variant.
Genome position (GRCh38, 1-based): chr13:20,222,888, G>T on the plus strand (C>A on the coding strand, the complement: GJB6 is on the minus strand). VCF-style: chr13-20222888-G-T. GRCh37 (hg19) VCF-style: chr13-20797027-G-T.
Other names: c.593C>A, p.Ala198Glu (NM_001110220.3, NM_001110221.3, NM_001370090.1 and 3 more transcripts); short protein forms A198E.
Identifiers: ClinVar variation 1699284 (VCV001699284.7), dbSNP rs200881320, ClinGen allele CA6904410.
Genomic context (GRCh38, chr13:20,222,888, plus strand): 5'-CACACTTTCAGCAGCAGGTAGCACAACTCTGCCACGTTAAGCAGCATGCAAATCACAGAC[G>T]CAGAAATCATAAAAATGGTAAACACGGTCTTCTCTGTTGGCCTAGAAATAAAGCAGTCAA-3'
Protein context (NP_001103689.1, residues 188-208): KTVFTIFMIS[Ala198Glu]SVICMLLNVA

ClinVar aggregate classification (germline): Uncertain significance. Review status: criteria provided, multiple submitters, no conflicts (2 of 4 stars). 3 submissions from 3 submitters: Uncertain significance (3). Last evaluated 2024-07-11.

Conditions:
Autosomal dominant nonsyndromic hearing loss 3B. Identifiers: Orphanet 90635, MedGen C2675237, MONDO:0012975, OMIM 612643.
Hidrotic ectodermal dysplasia syndrome (GJB6). Also called: CLOUSTON HIDROTIC ECTODERMAL DYSPLASIA; Ectodermal dysplasia 2, hidrotic; Autosomal dominant hidrotic ectodermal dysplasia; Clouston syndrome; Clouston's hidrotic ectodermal dysplasia; ECTODERMAL DYSPLASIA 2, CLOUSTON TYPE. Identifiers: Orphanet 189, MedGen C0162361, MONDO:0007510, OMIM 129500.
Autosomal recessive nonsyndromic hearing loss 1A (DFNB1A). Also called: GJB6-Related DFNB 1 Nonsyndromic Hearing Loss and Deafness; Deafness, autosomal recessive 1A; Nonsyndromic Hearing Loss and Deafness, DFNB1; Connexin 26 deafness; Deafness nonsyndromic, Connexin 26 linked; GJB2-Related Autosomal Recessive Nonsyndromic Hearing Loss. Identifiers: Orphanet 90636, MedGen C2673759, MONDO:0009076, OMIM 220290.
Autosomal recessive nonsyndromic hearing loss 1B. Also called: DEAFNESS, AUTOSOMAL RECESSIVE 1B. Identifiers: Orphanet 90636, MedGen C2675235, MONDO:0012977, OMIM 612645.

gnomAD v4.1: 40 of 1,614,006 alleles (0.0025%); highest among the groups gnomAD compares: Admixed American, 0.0067%; no homozygotes.

Submissions (3):

Blueprint Genetics
Classification: Uncertain significance. Last evaluated: 2024-07-11. Review status: criteria provided, single submitter. Criteria: ACMG Guidelines, 2015. Collection method: clinical testing. Allele origin: germline.

Labcorp Genetics (formerly Invitae), Labcorp
Classification: Uncertain significance for Autosomal dominant nonsyndromic hearing loss 3B; Hidrotic ectodermal dysplasia syndrome; Autosomal recessive nonsyndromic hearing loss 1B; Autosomal recessive nonsyndromic hearing loss 1A. Last evaluated: 2023-06-09. Review status: criteria provided, single submitter. Criteria: Invitae Variant Classification Sherloc (09022015). Collection method: clinical testing. Allele origin: germline.
Comment: ClinVar contains an entry for this variant (Variation ID: 1699284). This sequence change replaces alanine, which is neutral and non-polar, with glutamic acid, which is acidic and polar, at codon 198 of the GJB6 protein (p.Ala198Glu). This variant is present in population databases (rs200881320, gnomAD 0.009%). This variant has not been reported in the literature in individuals affected with GJB6-related conditions. Advanced modeling of protein sequence and biophysical properties (such as structural, functional, and spatial information, amino acid conservation, physicochemical variation, residue mobility, and thermodynamic stability) has been performed at Invitae for this missense variant, however the output from this modeling did not meet the statistical confidence thresholds required to predict the impact of this variant on GJB6 protein function. In summary, the available evidence is currently insufficient to determine the role of this variant in disease. Therefore, it has been classified as a Variant of Uncertain Significance.

Victorian Clinical Genetics Services, Murdoch Childrens Research Institute
Classification: Uncertain significance for Hidrotic ectodermal dysplasia syndrome. Last evaluated: 2020-05-21. Review status: criteria provided, single submitter. Criteria: ACMG Guidelines, 2015. Collection method: clinical testing. Allele origin: germline. Inheritance: Autosomal dominant inheritance. Affected: yes.
Comment: Based on the classification scheme VCGS_Germline_v1.1.1, this variant is classified as 3B-VUS. Following criteria are met: 0101 - Gain-of-function is a known mechanism of disease for this gene. (N) 0107 - This gene is known to be associated with autosomal dominant disease. (N) 0200 - Variant is predicted to result in a missense amino acid change from alanine to glutamic acid (exon 5). (N) 0251 - Variant is heterozygous. (N) 0302 - Variant is present in gnomAD <0.001 for a dominant condition (3 heterozygotes, 0 homozygotes). (P) 0309 - An alternative amino acid change at the same position has been observed in gnomAD (p.(Ala198Val); (3 heterozygotes, 0 homozygotes)). (N) 0502 - Missense variant with conflicting in silico predictions and moderate conservation. (N) 0600 - Variant is located in an annotated domain or motif. (Connexin domain (NCBI)) (N) 0705 - No comparable variants have previous evidence for pathogenicity. (N) 0807 - Variant has not previously been reported in a clinical context. (N) 0905 - No segregation evidence has been identified for this variant, ie. no segregation studies published in literature. (N) 1007 - No published functional evidence has been identified for this variant. (N) 1208 – Inheritance information for this variant is not currently available. (N) Legend: (P) - Pathogenic, (N) - Neutral, (B) - Benign